The following is an entry in ClinVar:

ClinVar aggregate classification (germline): Uncertain significance. Review status: criteria provided, multiple submitters, no conflicts (2 of 4 stars). 3 submissions from 3 submitters: Uncertain significance (3). Last evaluated 2022-11-07.

Conditions:
Vici syndrome (VICIS). Identifiers: Orphanet 1493, MedGen C1855772, MONDO:0009452, OMIM 242840.
Inborn genetic diseases. Identifiers: MedGen C0950123, MeSH D030342.

Allele frequency attached by ClinVar (database versions not stated): ExAC 0.00005; gnomAD exomes 0.00006; TOPMed 0.00007; ESP Exome Variant Server 0.00008; gnomAD 0.00009.
gnomAD v4.1: 159 of 1,614,076 alleles (0.0099%); highest among the groups gnomAD compares: Non-Finnish European, 0.013%; no homozygotes.

Submissions (3):

Ambry Genetics
Classification: Uncertain significance for Inborn genetic diseases. Last evaluated: 2022-11-07. Review status: criteria provided, single submitter. Criteria: Ambry Variant Classification Scheme 2023. Collection method: clinical testing. Allele origin: germline.

Labcorp Genetics (formerly Invitae), Labcorp
Classification: Uncertain significance for Vici syndrome. Last evaluated: 2022-07-28. Review status: criteria provided, single submitter. Criteria: Invitae Variant Classification Sherloc (09022015). Collection method: clinical testing. Allele origin: germline.
Comment: This sequence change replaces serine, which is neutral and polar, with asparagine, which is neutral and polar, at codon 1589 of the EPG5 protein (p.Ser1589Asn). This variant is present in population databases (rs201062477, gnomAD 0.01%). This variant has not been reported in the literature in individuals affected with EPG5-related conditions. ClinVar contains an entry for this variant (Variation ID: 653803). Algorithms developed to predict the effect of missense changes on protein structure and function are either unavailable or do not agree on the potential impact of this missense change (SIFT: "Tolerated"; PolyPhen-2: "Probably Damaging"; Align-GVGD: "Class C0"). In summary, the available evidence is currently insufficient to determine the role of this variant in disease. Therefore, it has been classified as a Variant of Uncertain Significance.

Breakthrough Genomics
Classification: Uncertain significance. Review status: criteria provided, single submitter. Criteria: ACMG Guidelines, 2015. Collection method: not provided. Allele origin: germline. Inheritance: Autosomal recessive inheritance. Affected: yes.

NM_020964.3(EPG5):c.4766G>A (p.Ser1589Asn)

Gene: EPG5 (ectopic P-granules 5 autophagy tethering factor; minus strand). Cytogenetic location: 18q12.3.
Variant type: single nucleotide variant.
Coding change: c.4766G>A on transcript NM_020964.3 (MANE Select); coding-DNA position 4766, G replaced by A.
Protein change: p.Ser1589Asn; replaces serine 1589 with asparagine.
Molecular consequence: missense variant.
Genome position (GRCh38, 1-based): chr18:45,899,447, C>T on the plus strand (G>A on the coding strand, the complement: EPG5 is on the minus strand). VCF-style: chr18-45899447-C-T. GRCh37 (hg19) VCF-style: chr18-43479412-C-T.
Other names: c.4766G>A, p.Ser1589Asn (LRG_1234t1); short protein forms S1589N.
Identifiers: ClinVar variation 653803 (VCV000653803.10), dbSNP rs201062477, ClinGen allele CA8948761.
Genomic context (GRCh38, chr18:45,899,447, plus strand): 5'-GAAATTTAAACACTTACCTGAACCGTGACAACTGCGGCTCCTTGGCATTTCTTACCGCTG[C>T]TGCCTCTGCACTCCAAATGTAGTGTGGTCTGTTCTTCACGATTCACATACTGCTTTGGCA-3'
Protein context (NP_066015.2, residues 1579-1599): QTTLHLECRG[Ser1589Asn]SGKKCQGAAV